The following is an entry in ClinVar:

ClinVar aggregate classification (germline): Likely benign. Review status: criteria provided, multiple submitters, no conflicts (2 of 4 stars). 2 submissions from 2 submitters: Likely benign (2). Last evaluated 2024-04-01.

Allele frequency attached by ClinVar (database versions not stated): gnomAD exomes below 0.00001 and 0.00001; TOPMed 0.00001; ExAC 0.00002.

Submissions (2):

Labcorp Genetics (formerly Invitae), Labcorp
Classification: Likely benign. Last evaluated: 2024-04-01. Review status: criteria provided, single submitter. Criteria: Invitae Variant Classification Sherloc (09022015). Collection method: clinical testing. Allele origin: germline.

CeGaT Center for Human Genetics Tuebingen
Classification: Likely benign. Last evaluated: 2023-02-01. Review status: criteria provided, single submitter. Criteria: CeGaT Center For Human Genetics Tuebingen Variant Classification Criteria Version 2. Collection method: clinical testing. Allele origin: germline. Affected: yes. Observed: 1 variant allele.
Comment: SCN3A: BP4, BP7

NM_006922.4(SCN3A):c.4974C>T (p.Ile1658=)

Gene: SCN3A (sodium voltage-gated channel alpha subunit 3; minus strand). Cytogenetic location: 2q24.3.
Variant type: single nucleotide variant.
Coding change: c.4974C>T on transcript NM_006922.4 (MANE Select); coding-DNA position 4974, C replaced by T.
Protein change: p.Ile1658=; no amino-acid change (isoleucine 1658 retained).
Molecular consequence: synonymous variant.
Genome position (GRCh38, 1-based): chr2:165,091,179, G>A on the plus strand (C>T on the coding strand, the complement: SCN3A is on the minus strand). VCF-style: chr2-165091179-G-A. GRCh37 (hg19) VCF-style: chr2-165947689-G-A.
Other names: c.4827C>T, p.Ile1609= (NM_001081676.2, NM_001081677.2).
Identifiers: ClinVar variation 1136326 (VCV001136326.36), dbSNP rs765449159, ClinGen allele CA1938463.